The following is an entry in ClinVar:

NM_000152.5(GAA):c.2552G>A (p.Gly851Glu)

Gene: GAA (alpha glucosidase; plus strand). Cytogenetic location: 17q25.3.
Variant type: single nucleotide variant.
Coding change: c.2552G>A on transcript NM_000152.5 (MANE Select); coding-DNA position 2552, G replaced by A.
Protein change: p.Gly851Glu; replaces glycine 851 with glutamic acid.
Molecular consequence: missense variant.
Genome position (GRCh38, 1-based): chr17:80,118,263, G>A. VCF-style: chr17-80118263-G-A. GRCh37 (hg19) VCF-style: chr17-78092062-G-A.
Other names: c.2552G>A, p.Gly851Glu (NM_001079803.3, NM_001079804.3); short protein forms G851E.
Identifiers: ClinVar variation 1405142 (VCV001405142.6), dbSNP rs764943318, ClinGen allele CA8815786.
Genomic context (GRCh38, chr17:80,118,263, plus strand): 5'-TCACAACCACAGAGTCCCGCCAGCAGCCCATGGCCCTGGCTGTGGCCCTGACCAAGGGTG[G>A]GGAGGCCCGAGGGGAGCTGTTCTGGGACGATGGAGAGAGCCTGGAAGTGCTGGAGCGAGG-3'
Protein context (NP_000143.2, residues 841-861): MALAVALTKG[Gly851Glu]EARGELFWDD

ClinVar aggregate classification (germline): Uncertain significance (1 of 4 stars; one submission).

Conditions:
Glycogen storage disease, type II (IOPD). Also called: Pompe Disease; Glycogen storage disease type 2; Acid maltase deficiency disease; Aglucosidase alfa; Deficiency of alpha-glucosidase; Deficiency of lysosomal alpha-glucosidase. Identifiers: Orphanet 365, MedGen C0017921, MONDO:0009290, OMIM 232300.

Submission:

Labcorp Genetics (formerly Invitae), Labcorp
Classification: Uncertain significance for Glycogen storage disease, type II. Last evaluated: 2021-09-02. Review status: criteria provided, single submitter. Criteria: Invitae Variant Classification Sherloc (09022015). Collection method: clinical testing. Allele origin: germline.
Comment: This sequence change replaces glycine with glutamic acid at codon 851 of the GAA protein (p.Gly851Glu). The glycine residue is highly conserved and there is a moderate physicochemical difference between glycine and glutamic acid. This variant is present in population databases (rs764943318, ExAC 0.02%). This variant has not been reported in the literature in individuals affected with GAA-related conditions. Advanced modeling of protein sequence and biophysical properties (such as structural, functional, and spatial information, amino acid conservation, physicochemical variation, residue mobility, and thermodynamic stability) performed at Invitae indicates that this missense variant is expected to disrupt GAA protein function. Algorithms developed to predict the effect of sequence changes on RNA splicing suggest that this variant may create or strengthen a splice site. In summary, the available evidence is currently insufficient to determine the role of this variant in disease. Therefore, it has been classified as a Variant of Uncertain Significance.